The following is an entry in ClinVar:

NM_016239.4(MYO15A):c.8714-1G>A

Gene: MYO15A (myosin XVA; plus strand). Cytogenetic location: 17p11.2.
Variant type: single nucleotide variant.
Coding change: c.8714-1G>A on transcript NM_016239.4 (MANE Select); the canonical splice acceptor site of the intron before coding-DNA position 8714, G replaced by A.
Molecular consequence: splice acceptor variant.
Genome position (GRCh38, 1-based): chr17:18,157,155, G>A. VCF-style: chr17-18157155-G-A. GRCh37 (hg19) VCF-style: chr17-18060469-G-A.
Identifiers: ClinVar variation 178449 (VCV000178449.14), dbSNP rs377015931, ClinGen allele CA273546.
Genomic context (GRCh38, chr17:18,157,155, plus strand): 5'-GGAGGGGGAGGCTGGCCAAGGGGGCCTCCCTGGCAGATGCTGACCCGAGCCTGGCCCATA[G>A]GCTACAGTGCTGGCTGCGTGGTTCGCAGGAAGGTGGTGTACCTGGAGGAGCTGCGACGTA-3'

ClinVar aggregate classification (germline): Pathogenic/Likely pathogenic. Review status: criteria provided, multiple submitters, no conflicts (2 of 4 stars). 6 submissions from 6 submitters: Pathogenic (1); Likely pathogenic (3). 2 of the submissions do not count toward it. Last evaluated 2025-10-24.

Conditions:
MYO15A-related disorder. Also called: MYO15A-related condition.
Rare genetic deafness. Identifiers: Orphanet 96210, MedGen C5680250.
Autosomal recessive nonsyndromic hearing loss 3. Also called: NEUROSENSORY NONSYNDROMIC RECESSIVE DEAFNESS 3. Identifiers: Orphanet 90636, MedGen C1838263, MONDO:0010860, OMIM 600316.

Allele frequency attached by ClinVar (database versions not stated): gnomAD exomes 0.00001; ExAC 0.00003; TOPMed 0.00003; gnomAD 0.00005 and 0.00006; ESP Exome Variant Server 0.00008.
gnomAD v4.1: 21 of 1,611,036 alleles (0.0013%); highest among the groups gnomAD compares: African/African-American, 0.025%; no homozygotes.

Submissions (6):

Labcorp Genetics (formerly Invitae), Labcorp
Classification: Likely pathogenic. Last evaluated: 2025-10-24. Review status: criteria provided, single submitter. Criteria: Invitae Variant Classification Sherloc (09022015). Collection method: clinical testing. Allele origin: germline.
Comment: This sequence change affects an acceptor splice site in intron 49 of the MYO15A gene. It is expected to disrupt RNA splicing. Variants that disrupt the donor or acceptor splice site typically lead to a loss of protein function (PMID: 16199547), and loss-of-function variants in MYO15A are known to be pathogenic (PMID: 17546645). This variant is present in population databases (rs377015931, gnomAD 0.02%). Disruption of this splice site has been observed in individual(s) with deafness (PMID: 29907799). ClinVar contains an entry for this variant (Variation ID: 178449). Algorithms developed to predict the effect of sequence changes on RNA splicing suggest that this variant may disrupt the consensus splice site. In summary, the currently available evidence indicates that the variant is pathogenic, but additional data are needed to prove that conclusively. Therefore, this variant has been classified as Likely Pathogenic.

Women's Health and Genetics/Laboratory Corporation of America, LabCorp
Classification: Likely pathogenic for Autosomal recessive nonsyndromic hearing loss 3. Last evaluated: 2025-04-09. Review status: criteria provided, single submitter. Criteria: LabCorp Variant Classification Summary - May 2015. Collection method: clinical testing. Allele origin: germline.
Comment: Variant summary: MYO15A c.8714-1G>A is located in a canonical splice-site and is predicted to affect mRNA splicing resulting in a significantly altered protein due to either exon skipping, shortening, or inclusion of intronic material. Variants that disrupt the consensus splice site are a relatively common cause of aberrant splicing and loss of MYO15A function. Several computational tools predict a significant impact on normal splicing: Two predict the variant abolishes a 3' acceptor site. However, these predictions have yet to be confirmed by functional studies. The variant allele was found at a frequency of 8.3e-06 in 240976 control chromosomes. c.8714-1G>A has been reported in the literature in an individual affected with Autosomal Recessive Nonsyndromic Hearing Loss 3 (Sheppard_2018). These report(s) do not provide unequivocal conclusions about association of the variant with Autosomal Recessive Nonsyndromic Hearing Loss 3. Co-occurrences with other pathogenic variant(s) have been reported (GJB2 c.101T>C, p.Met34Thr), providing supporting evidence for a benign role. To our knowledge, no experimental evidence demonstrating an impact on protein function has been reported. The following publication have been ascertained in the context of this evaluation (PMID: 29907799). ClinVar contains an entry for this variant (Variation ID: 178449). Based on the evidence outlined above, the variant was classified as likely pathogenic.

Fulgent Genetics
Classification: Likely pathogenic for Autosomal recessive nonsyndromic hearing loss 3. Last evaluated: 2024-05-08. Review status: criteria provided, single submitter. Criteria: ACMG Guidelines, 2015. Collection method: clinical testing. Allele origin: germline.

Laboratory for Molecular Medicine, Mass General Brigham Personalized Medicine
Classification: Pathogenic for Rare genetic deafness. Last evaluated: 2014-07-22. Review status: criteria provided, single submitter. Criteria: LMM Criteria. Collection method: clinical testing. Allele origin: germline. Inheritance: Autosomal recessive inheritance. Observed: 1 variant allele.
Comment: The 8714-1G>A variant in MYO15A had not been reported in individuals with hearin g loss, but has been identified in 1/4068 of African American chromosomes by the NHLBI Exome Sequencing Project. Although t his variant has been seen in the general population, its frequency is low enough to be consistent with a recessive carrier frequency. This variant occurs in the invariant region (+/- 1/2) of the splice consensus sequence and is predicted to cause altered splicing leading to an abnormal or absent protein. In summary, th is variant meets our criteria to be classified as pathogenic (ersonalizedmedicine/lmm).

PreventionGenetics, part of Exact Sciences
Classification: Likely pathogenic for MYO15A-related condition. Last evaluated: 2024-08-21. Review status: no assertion criteria provided. Collection method: clinical testing. Allele origin: germline. Not counted in ClinVar's aggregate classification.
Comment: The MYO15A c.8714-1G>A variant is predicted to disrupt the AG splice acceptor site and interfere with normal splicing. To our knowledge, this variant has not been reported in the literature. This variant is reported in 0.013% of alleles in individuals of African descent in gnomAD. Variants that disrupt the consensus splice acceptor site in MYO15A are expected to be pathogenic. This variant is interpreted as likely pathogenic.

Division of Human Genetics, Children's Hospital of Philadelphia
Classification: Pathogenic for Autosomal recessive nonsyndromic hearing loss 3. Last evaluated: 2016-03-07. Review status: no assertion criteria provided. Collection method: research. Allele origin: paternal. Affected: yes. Study: CSER-PediSeq. Not counted in ClinVar's aggregate classification.

Literature cited by the submitters: PubMed 16199547 (cited by Labcorp Genetics (formerly Invitae), Labcorp); PubMed 17546645 (cited by Labcorp Genetics (formerly Invitae), Labcorp); PubMed 29907799 (cited by Labcorp Genetics (formerly Invitae), Labcorp and Women's Health and Genetics/Laboratory Corporation of America, LabCorp).